The following is an entry in ClinVar:

ClinVar aggregate classification (germline): Uncertain significance (1 of 4 stars; one submission).

Submission:

Labcorp Genetics (formerly Invitae), Labcorp
Classification: Uncertain significance. Last evaluated: 2024-07-29. Review status: criteria provided, single submitter. Criteria: Invitae Variant Classification Sherloc (09022015). Collection method: clinical testing. Allele origin: germline.
Comment: This sequence change replaces glutamic acid, which is acidic and polar, with aspartic acid, which is acidic and polar, at codon 2898 of the SZT2 protein (p.Glu2898Asp). This variant is not present in population databases (gnomAD no frequency). This variant has not been reported in the literature in individuals affected with SZT2-related conditions. ClinVar contains an entry for this variant (Variation ID: 1380264). Advanced modeling of protein sequence and biophysical properties (such as structural, functional, and spatial information, amino acid conservation, physicochemical variation, residue mobility, and thermodynamic stability) performed at Invitae indicates that this missense variant is not expected to disrupt SZT2 protein function with a negative predictive value of 80%. In summary, the available evidence is currently insufficient to determine the role of this variant in disease. Therefore, it has been classified as a Variant of Uncertain Significance.

NM_001365999.1(SZT2):c.8865G>C (p.Glu2955Asp)

Gene: SZT2 (SZT2 subunit of KICSTOR complex; plus strand). Cytogenetic location: 1p34.2.
Variant type: single nucleotide variant.
Coding change: c.8865G>C on transcript NM_001365999.1 (MANE Select); coding-DNA position 8865, G replaced by C.
Protein change: p.Glu2955Asp; replaces glutamic acid 2955 with aspartic acid.
Molecular consequence: missense variant.
Genome position (GRCh38, 1-based): chr1:43,445,933, G>C. VCF-style: chr1-43445933-G-C. GRCh37 (hg19) VCF-style: chr1-43911604-G-C.
Other names: c.8694G>C, p.Glu2898Asp (NM_015284.4); short protein forms E2955D, E2898D.
Identifiers: ClinVar variation 1380264 (VCV001380264.6), dbSNP rs2153936520, ClinGen allele CA340041217.